The following is an entry in ClinVar:

ClinVar aggregate classification (germline): Uncertain significance (1 of 4 stars; one submission).

Submission:

Labcorp Genetics (formerly Invitae), Labcorp
Classification: Uncertain significance. Last evaluated: 2022-10-17. Review status: criteria provided, single submitter. Criteria: Invitae Variant Classification Sherloc (09022015). Collection method: clinical testing. Allele origin: germline.
Comment: In summary, the available evidence is currently insufficient to determine the role of this variant in disease. Therefore, it has been classified as a Variant of Uncertain Significance. Variants that disrupt the consensus splice site are a relatively common cause of aberrant splicing (PMID: 17576681, 9536098). Algorithms developed to predict the effect of sequence changes on RNA splicing suggest that this variant may disrupt the consensus splice site. This variant has not been reported in the literature in individuals affected with POLE-related conditions. This variant is not present in population databases (gnomAD no frequency). This sequence change falls in intron 42 of the POLE gene. It does not directly change the encoded amino acid sequence of the POLE protein. It affects a nucleotide within the consensus splice site.

Literature cited by the submitters: PubMed 17576681; PubMed 9536098.

NM_006231.4(POLE):c.5811+5G>T

Gene: POLE (DNA polymerase epsilon, catalytic subunit; minus strand). Cytogenetic location: 12q24.33.
Variant type: single nucleotide variant.
Coding change: c.5811+5G>T on transcript NM_006231.4 (MANE Select); 5 bases into the intron after coding-DNA position 5811, G replaced by T.
Molecular consequence: intron variant.
Genome position (GRCh38, 1-based): chr12:132,635,887, C>A on the plus strand (G>T on the coding strand, the complement: POLE is on the minus strand). VCF-style: chr12-132635887-C-A. GRCh37 (hg19) VCF-style: chr12-133212473-C-A.
Identifiers: ClinVar variation 2808779 (VCV002808779.3), dbSNP rs562946055, ClinGen allele CA2739277360.
Genomic context (GRCh38, chr12:132,635,887, plus strand): 5'-CACTTGCTGCAGGAATGAACGCGACCCCCAAAGCTGGCTCGGGTGCCACACTGCAGCTCG[C>A]TTACCAGTCCACAGTGAATACGAGATGAAACTTTTCCTTTGATTCCGCCATAGTTAGATG-3'